The following is an entry in ClinVar:

NM_006096.4(NDRG1):c.973C>A (p.Arg325=)

Gene: NDRG1 (N-myc downstream regulated 1; minus strand). Cytogenetic location: 8q24.22.
Variant type: single nucleotide variant.
Coding change: c.973C>A on transcript NM_006096.4 (MANE Select); coding-DNA position 973, C replaced by A.
Protein change: p.Arg325=; no amino-acid change (arginine 325 retained).
Molecular consequence: synonymous variant.
Genome position (GRCh38, 1-based): chr8:133,239,090, G>T on the plus strand (C>A on the coding strand, the complement: NDRG1 is on the minus strand). VCF-style: chr8-133239090-G-T. GRCh37 (hg19) VCF-style: chr8-134251333-G-T.
Other names: c.973C>A, p.Arg325= (NM_001135242.2, NM_001374845.1, NM_001374846.1); c.775C>A, p.Arg259= (NM_001258432.2, NM_001374847.1); c.730C>A, p.Arg244= (NM_001258433.2); c.1024C>A, p.Arg342= (NM_001374844.1).
Identifiers: ClinVar variation 385209 (VCV000385209.16), dbSNP rs141078746, ClinGen allele CA4886453.

ClinVar aggregate classification (germline): Likely benign. Review status: criteria provided, multiple submitters, no conflicts (2 of 4 stars). 6 submissions from 6 submitters: Likely benign (6). Last evaluated 2026-04-01.

Conditions:
Charcot-Marie-Tooth disease type 4. Also called: Charcot-Marie-Tooth disease, type IV; Charcot-Marie-Tooth, Type 4. Identifiers: Orphanet 64749, MedGen C4082197, MONDO:0018995.
Charcot-Marie-Tooth disease. Also called: Charcot-Marie-Tooth Hereditary Neuropathy; Charcot-Marie-Tooth Neuropathy. Identifiers: Orphanet 166, MedGen C0007959, MONDO:0015626.

Allele frequency attached by ClinVar (database versions not stated): 1000 Genomes Project 30x 0.00016; 1000 Genomes Project 0.00020; TOPMed 0.00029; ESP Exome Variant Server 0.00047.

Submissions (6):

CeGaT Center for Human Genetics Tuebingen
Classification: Likely benign. Last evaluated: 2026-04-01. Review status: criteria provided, single submitter. Criteria: CeGaT Center For Human Genetics Tuebingen Variant Classification Criteria Version 2. Collection method: clinical testing. Allele origin: germline. Affected: yes. Observed: 1 variant allele.
Comment: NDRG1: BP4, BP7

Labcorp Genetics (formerly Invitae), Labcorp
Classification: Likely benign for Charcot-Marie-Tooth disease type 4. Last evaluated: 2026-01-17. Review status: criteria provided, single submitter. Criteria: Invitae Variant Classification Sherloc (09022015). Collection method: clinical testing. Allele origin: germline.

Women's Health and Genetics/Laboratory Corporation of America, LabCorp
Classification: Likely benign. Last evaluated: 2025-03-24. Review status: criteria provided, single submitter. Criteria: LabCorp Variant Classification Summary - May 2015. Collection method: clinical testing. Allele origin: germline.

Blueprint Genetics
Classification: Likely benign. Last evaluated: 2024-07-23. Review status: criteria provided, single submitter. Criteria: ACMG Guidelines, 2015. Collection method: clinical testing. Allele origin: germline.

GeneDx
Classification: Likely benign. Last evaluated: 2017-04-17. Review status: criteria provided, single submitter. Criteria: GeneDx Variant Classification (06012015). Collection method: clinical testing. Allele origin: germline. Affected: yes.
Comment: This variant is considered likely benign or benign based on one or more of the following criteria: it is a conservative change, it occurs at a poorly conserved position in the protein, it is predicted to be benign by multiple in silico algorithms, and/or has population frequency not consistent with disease.

Molecular Genetics Laboratory, London Health Sciences Centre
Classification: Likely benign for Charcot-Marie-Tooth disease. Review status: criteria provided, single submitter. Criteria: ACMG Guidelines, 2015. Collection method: clinical testing. Allele origin: germline. Affected: yes.